The following is an entry in ClinVar:

ClinVar aggregate classification (germline): Uncertain significance (1 of 4 stars; one submission).

Conditions:
Cardiovascular phenotype. Identifiers: MedGen CN230736.

Submission:

Ambry Genetics
Classification: Uncertain significance for Cardiovascular phenotype. Last evaluated: 2019-04-15. Review status: criteria provided, single submitter. Criteria: Ambry Variant Classification Scheme 2023. Collection method: clinical testing. Allele origin: germline.
Comment: The p.L467V variant (also known as c.1399C>G), located in coding exon 5 of the ALPK3 gene, results from a C to G substitution at nucleotide position 1399. The leucine at codon 467 is replaced by valine, an amino acid with highly similar properties. This amino acid position is not well conserved in available vertebrate species. In addition, this alteration is predicted to be tolerated by in silico analysis. Since supporting evidence is limited at this time, the clinical significance of this alteration remains unclear.

NM_020778.5(ALPK3):c.793C>G (p.Leu265Val)

Gene: ALPK3 (alpha kinase 3; plus strand). Cytogenetic location: 15q25.3.
Variant type: single nucleotide variant.
Coding change: c.793C>G on transcript NM_020778.5 (MANE Select); coding-DNA position 793, C replaced by G.
Protein change: p.Leu265Val; replaces leucine 265 with valine.
Molecular consequence: missense variant.
Genome position (GRCh38, 1-based): chr15:84,840,072, C>G. VCF-style: chr15-84840072-C-G. GRCh37 (hg19) VCF-style: chr15-85383303-C-G.
Other names: short protein forms L265V.
Identifiers: ClinVar variation 1771698 (VCV001771698.2), dbSNP rs1963642152, ClinGen allele CA393373514.